The following is an entry in ClinVar:

NM_001367624.2(ZNF469):c.156C>T (p.Gly52=)

Gene: ZNF469 (zinc finger protein 469; plus strand). Cytogenetic location: 16q24.2.
Variant type: single nucleotide variant.
Coding change: c.156C>T on transcript NM_001367624.2 (MANE Select); coding-DNA position 156, C replaced by T.
Protein change: p.Gly52=; no amino-acid change (glycine 52 retained).
Molecular consequence: synonymous variant.
Genome position (GRCh38, 1-based): chr16:88,427,626, C>T. VCF-style: chr16-88427626-C-T. GRCh37 (hg19) VCF-style: chr16-88494034-C-T.
Other names: NM_001127464.1:c.156C>T; NM_001127464.2:c.156C>T.
Identifiers: ClinVar variation 1775473 (VCV001775473.24), dbSNP rs930346629, ClinGen allele CA286371344.

ClinVar aggregate classification (germline): Likely benign. Review status: criteria provided, multiple submitters, no conflicts (2 of 4 stars). 4 submissions from 4 submitters: Likely benign (3). 1 of the submissions does not count toward it. Last evaluated 2026-01-26.

Conditions:
ZNF469-related disorder. Also called: ZNF469-related condition.
Cardiovascular phenotype. Identifiers: MedGen CN230736.

gnomAD v4.1: 47 of 1,537,238 alleles (0.0031%); highest among the groups gnomAD compares: Middle Eastern, 0.017%; no homozygotes.

Submissions (4):

Labcorp Genetics (formerly Invitae), Labcorp
Classification: Likely benign. Last evaluated: 2026-01-26. Review status: criteria provided, single submitter. Criteria: Invitae Variant Classification Sherloc (09022015). Collection method: clinical testing. Allele origin: germline.

CeGaT Center for Human Genetics Tuebingen
Classification: Likely benign. Last evaluated: 2024-07-01. Review status: criteria provided, single submitter. Criteria: CeGaT Center For Human Genetics Tuebingen Variant Classification Criteria Version 2. Collection method: clinical testing. Allele origin: germline. Affected: yes. Observed: 1 variant allele.
Comment: ZNF469: BP4, BP7

Ambry Genetics
Classification: Likely benign for Cardiovascular phenotype. Last evaluated: 2022-05-30. Review status: criteria provided, single submitter. Criteria: Ambry Variant Classification Scheme 2023. Collection method: clinical testing. Allele origin: germline.

PreventionGenetics, part of Exact Sciences
Classification: Likely benign for ZNF469-related condition. Last evaluated: 2024-09-03. Review status: no assertion criteria provided. Collection method: clinical testing. Allele origin: germline. Not counted in ClinVar's aggregate classification.
Comment: This variant is classified as likely benign based on ACMG/AMP sequence variant interpretation guidelines (Richards et al. 2015 PMID: 25741868, with internal and published modifications).